The following is an entry in ClinVar:

ClinVar aggregate classification (germline): Uncertain significance (1 of 4 stars; one submission).

Conditions:
Autosomal recessive limb-girdle muscular dystrophy type 2Y (MRRSDC). Also called: Muscular dystrophy, limb-girdle, type 2y; Muscular dystrophy, autosomal recessive, with rigid spine and distal joint contractures. Identifiers: Orphanet 424261, MedGen C4511482, MONDO:0014900, OMIM 617072.

Allele frequency attached by ClinVar (database versions not stated): gnomAD exomes below 0.00001; TOPMed below 0.00001; gnomAD 0.00001.
gnomAD v4.1: 4 of 1,613,990 alleles (0.00025%); highest among the groups gnomAD compares: Admixed American, 0.0067%; no homozygotes.

Submission:

Labcorp Genetics (formerly Invitae), Labcorp
Classification: Uncertain significance for Autosomal recessive limb-girdle muscular dystrophy type 2Y. Last evaluated: 2022-03-19. Review status: criteria provided, single submitter. Criteria: Invitae Variant Classification Sherloc (09022015). Collection method: clinical testing. Allele origin: germline.
Comment: This sequence change replaces lysine, which is basic and polar, with asparagine, which is neutral and polar, at codon 83 of the TOR1AIP1 protein (p.Lys83Asn). This variant is present in population databases (no rsID available, gnomAD 0.009%). In summary, the available evidence is currently insufficient to determine the role of this variant in disease. Therefore, it has been classified as a Variant of Uncertain Significance. Algorithms developed to predict the effect of missense changes on protein structure and function are either unavailable or do not agree on the potential impact of this missense change (SIFT: "Deleterious"; PolyPhen-2: "Benign"; Align-GVGD: "Class C0"). This variant has not been reported in the literature in individuals affected with TOR1AIP1-related conditions.

NM_015602.4(TOR1AIP1):c.249A>C (p.Lys83Asn)

Genes: TOR1AIP1 (torsin 1A interacting protein 1; plus strand), LOC112577517 (Sharpr-MPRA regulatory region 13766; plus strand). Cytogenetic location: 1q25.2.
Variant type: single nucleotide variant.
Coding change: c.249A>C on transcript NM_015602.4 (MANE Select); coding-DNA position 249, A replaced by C.
Protein change: p.Lys83Asn; replaces lysine 83 with asparagine.
Molecular consequence: missense variant.
Genome position (GRCh38, 1-based): chr1:179,882,751, A>C. VCF-style: chr1-179882751-A-C. GRCh37 (hg19) VCF-style: chr1-179851886-A-C.
Other names: c.249A>C, p.Lys83Asn (NM_001267578.2); short protein forms K83N.
Identifiers: ClinVar variation 2421330 (VCV002421330.10), dbSNP rs1235063002, ClinGen allele CA343577923.